The following is an entry in ClinVar:

NM_018127.7(ELAC2):c.1871T>C (p.Leu624Ser)

Gene: ELAC2 (elaC ribonuclease Z 2; minus strand). Cytogenetic location: 17p12.
Variant type: single nucleotide variant.
Coding change: c.1871T>C on transcript NM_018127.7 (MANE Select); coding-DNA position 1871, T replaced by C.
Protein change: p.Leu624Ser; replaces leucine 624 with serine.
Molecular consequence: missense variant.
Genome position (GRCh38, 1-based): chr17:12,995,000, A>G on the plus strand (T>C on the coding strand, the complement: ELAC2 is on the minus strand). VCF-style: chr17-12995000-A-G. GRCh37 (hg19) VCF-style: chr17-12898317-A-G.
Other names: c.1751T>C, p.Leu584Ser (NM_001165962.2); c.1868T>C, p.Leu623Ser (NM_173717.2); short protein forms L623S, L624S, L584S.
Identifiers: ClinVar variation 659632 (VCV000659632.4), dbSNP rs1217149676, ClinGen allele CA398223332.
Genomic context (GRCh38, chr17:12,995,000, plus strand): 5'-ATGCCTGCGGCTGTGCCCCTTACCTCTTCCAAATCACATGTTCGCAACAGCGAACTGATC[A>G]ATCTTTCCACTGCAGGACTGGAGATCTCAGCCCCTTCCTGAAGGCATTTGGCAGGAATCA-3'
Protein context (NP_060597.4, residues 614-634): AEISSPAVER[Leu624Ser]ISSLLRTCDL

ClinVar aggregate classification (germline): Uncertain significance. Review status: criteria provided, multiple submitters, no conflicts (2 of 4 stars). 2 submissions from 2 submitters: Uncertain significance (2). Last evaluated 2022-02-08.

Conditions:
Prostate cancer, hereditary, 2 (HPC2). Identifiers: Orphanet 1331, MedGen C3539120, MONDO:0013872, OMIM 614731.
Combined oxidative phosphorylation defect type 17. Also called: Combined oxidative phosphorylation deficiency 17. Identifiers: Orphanet 369913, MedGen C3809526, MONDO:0014190, OMIM 615440.

Allele frequency attached by ClinVar (database versions not stated): TOPMed 0.00002; gnomAD 0.00006.
gnomAD v4.1: 26 of 1,614,100 alleles (0.0016%); highest among the groups gnomAD compares: African/African-American, 0.0027%; no homozygotes.

Submissions (2):

Labcorp Genetics (formerly Invitae), Labcorp
Classification: Uncertain significance for Combined oxidative phosphorylation defect type 17. Last evaluated: 2022-02-08. Review status: criteria provided, single submitter. Criteria: Invitae Variant Classification Sherloc (09022015). Collection method: clinical testing. Allele origin: germline.
Comment: This sequence change replaces leucine, which is neutral and non-polar, with serine, which is neutral and polar, at codon 624 of the ELAC2 protein (p.Leu624Ser). This variant is present in population databases (no rsID available, gnomAD 0.003%). This variant has not been reported in the literature in individuals affected with ELAC2-related conditions. ClinVar contains an entry for this variant (Variation ID: 659632). Algorithms developed to predict the effect of missense changes on protein structure and function (SIFT, PolyPhen-2, Align-GVGD) all suggest that this variant is likely to be tolerated. In summary, the available evidence is currently insufficient to determine the role of this variant in disease. Therefore, it has been classified as a Variant of Uncertain Significance.

Fulgent Genetics
Classification: Uncertain significance for Prostate cancer, hereditary, 2; Combined oxidative phosphorylation defect type 17. Last evaluated: 2021-07-01. Review status: criteria provided, single submitter. Criteria: ACMG Guidelines, 2015. Collection method: clinical testing. Allele origin: unknown.